The following is an entry in ClinVar:

ClinVar aggregate classification (germline): Uncertain significance (1 of 4 stars; one submission).

Conditions:
Transcobalamin II deficiency (TCN2D). Also called: Transcolabamin II deficiency; TC II DEFICIENCY; TCN2 DEFICIENCY. Identifiers: Orphanet 859, MedGen C0342701, MONDO:0010149, OMIM 275350.

Allele frequency attached by ClinVar (database versions not stated): gnomAD exomes below 0.00001 and 0.00001; ExAC 0.00001; gnomAD 0.00001; TOPMed 0.00001; ESP Exome Variant Server 0.00008.

Submission:

Labcorp Genetics (formerly Invitae), Labcorp
Classification: Uncertain significance for Transcobalamin II deficiency. Last evaluated: 2021-09-24. Review status: criteria provided, single submitter. Criteria: Invitae Variant Classification Sherloc (09022015). Collection method: clinical testing. Allele origin: germline.
Comment: This sequence change replaces isoleucine with valine at codon 409 of the TCN2 protein (p.Ile409Val). The isoleucine residue is highly conserved and there is a small physicochemical difference between isoleucine and valine. This variant is present in population databases (rs371229602, ExAC 0.002%). This variant has not been reported in the literature in individuals with TCN2-related conditions. Algorithms developed to predict the effect of missense changes on protein structure and function output the following: SIFT: "Deleterious"; PolyPhen-2: "Benign"; Align-GVGD: "Class C0". The valine amino acid residue is found in multiple mammalian species, suggesting that this missense change does not adversely affect protein function. These predictions have not been confirmed by published functional studies and their clinical significance is uncertain. In summary, the available evidence is currently insufficient to determine the role of this variant in disease. Therefore, it has been classified as a Variant of Uncertain Significance.

NM_000355.4(TCN2):c.1225A>G (p.Ile409Val)

Gene: TCN2 (transcobalamin 2; plus strand). Cytogenetic location: 22q12.2.
Variant type: single nucleotide variant.
Coding change: c.1225A>G on transcript NM_000355.4 (MANE Select); coding-DNA position 1225, A replaced by G.
Protein change: p.Ile409Val; replaces isoleucine 409 with valine.
Molecular consequence: missense variant.
Genome position (GRCh38, 1-based): chr22:30,626,462, A>G. VCF-style: chr22-30626462-A-G. GRCh37 (hg19) VCF-style: chr22-31022449-A-G.
Other names: c.1144A>G, p.Ile382Val (NM_001184726.2); short protein forms I409V, I382V.
Identifiers: ClinVar variation 1426979 (VCV001426979.5), dbSNP rs371229602, ClinGen allele CA10185060.
Genomic context (GRCh38, chr22:30,626,462, plus strand): 5'-GTTGCGGGGTGCGATATTCTGCCCAATTCGCCCCTCCTTGCTCAATCTGTTTCTGCAGGT[A>G]TTGCTGACTACAGACCCAAGGATGGAGAAACCATTGAGCTGAGGCTGGTTAGCTGGTAGC-3'
Protein context (NP_000346.2, residues 399-419): RDPNTPLLQG[Ile409Val]ADYRPKDGET